The following is an entry in ClinVar:

NM_003803.4(MYOM1):c.617_634del (p.194KQSTAS[2])

Gene: MYOM1 (myomesin 1; minus strand). Cytogenetic location: 18p11.31.
Variant type: Deletion.
Coding change: c.617_634del on transcript NM_003803.4 (MANE Select); coding-DNA positions 617 to 634, 18 bases deleted (AGCAGTCCACGGCATCCA).
Protein change: p.194KQSTAS[2].
Genome position (GRCh38, 1-based): chr18:3,188,885-3,188,902, TGGATGCCGTGGACTGCT deleted on the plus strand (AGCAGTCCACGGCATCCA on the coding strand, the reverse complement: MYOM1 is on the minus strand); deleting any 18 consecutive bases within chr18:3,188,885-3,188,909 gives the same sequence; the c. name uses the placement nearest the transcript's 3' end. VCF-style (leftmost placement, unchanged base first): chr18-3188884-CTGGATGCCGTGGACTGCT-C. GRCh37 (hg19) VCF-style: chr18-3188882-CTGGATGCCGTGGACTGCT-C.
Other names: c.617_634del, p.194KQSTAS[2] (NM_019856.2).
Identifiers: ClinVar variation 4767926 (VCV004767926.1).

ClinVar aggregate classification (germline): Uncertain significance (1 of 4 stars; one submission).

Conditions:
Hypertrophic cardiomyopathy. Also called: HYPERTROPHIC MYOCARDIOPATHY. Identifiers: Orphanet 217569, MedGen C0007194, MeSH D002312, MONDO:0005045, HP:0001639.

Submission:

Labcorp Genetics (formerly Invitae), Labcorp
Classification: Uncertain significance for Hypertrophic cardiomyopathy. Last evaluated: 2025-12-27. Review status: criteria provided, single submitter. Criteria: Invitae Variant Classification Sherloc (09022015). Collection method: clinical testing. Allele origin: germline.
Comment: This variant, c.617_634del, results in the deletion of 6 amino acid(s) of the MYOM1 protein (p.Lys206_Ser211del), but otherwise preserves the integrity of the reading frame. This variant is present in population databases (rs755975362, gnomAD 0.02%). This variant has been observed in individual(s) with clinical features of cardiomyopathy (PMID: 28986455). Experimental studies and prediction algorithms are not available or were not evaluated, and the functional significance of this variant is currently unknown. In summary, the available evidence is currently insufficient to determine the role of this variant in disease. Therefore, it has been classified as a Variant of Uncertain Significance.

Literature cited by the submitters: PubMed 28986455.